The following is an entry in ClinVar:

ClinVar aggregate classification (germline): Uncertain significance (1 of 4 stars; one submission).

Conditions:
Autoimmune interstitial lung disease-arthritis syndrome. Also called: Autoinflammation and autoimmunity, systemic, with immune dysregulation. Identifiers: Orphanet 444092, MedGen C5975714, MONDO:0014629.

Allele frequency attached by ClinVar (database versions not stated): gnomAD 0.00001; gnomAD exomes 0.00001; TOPMed 0.00001.
gnomAD v4.1: 12 of 1,613,738 alleles (0.00074%); highest among the groups gnomAD compares: Non-Finnish European, 0.00093%; no homozygotes.

Submissions (2):

Labcorp Genetics (formerly Invitae), Labcorp
Classification: Uncertain significance for Autoimmune interstitial lung disease-arthritis syndrome. Last evaluated: 2026-01-22. Review status: criteria provided, single submitter. Criteria: Invitae Variant Classification Sherloc (09022015). Collection method: clinical testing. Allele origin: germline.
Comment: This sequence change falls in intron 30 of the COPA gene. It does not directly change the encoded amino acid sequence of the COPA protein. It affects a nucleotide within the consensus splice site. This variant is present in population databases (no rsID available, gnomAD 0.004%). This variant has not been reported in the literature in individuals affected with COPA-related conditions. ClinVar contains an entry for this variant (Variation ID: 966529). Variants that disrupt the consensus splice site are a relatively common cause of aberrant splicing (PMID: 17576681, 9536098). Algorithms developed to predict the effect of sequence changes on RNA splicing suggest that this variant is not likely to affect RNA splicing. In summary, the available evidence is currently insufficient to determine the role of this variant in disease. Therefore, it has been classified as a Variant of Uncertain Significance.

Dr. Peter K. Rogan Lab, Western University
No classification provided (evidence only). Condition: Gastric cancer. Review status: no classification provided. Collection method: in vitro. Allele origin: not applicable. Functional consequence: retained intron. Not counted in ClinVar's aggregate classification.

Literature cited by the submitters: PubMed 17576681 (cited by Labcorp Genetics (formerly Invitae), Labcorp); PubMed 9536098 (cited by Labcorp Genetics (formerly Invitae), Labcorp).

NM_004371.4(COPA):c.3258+4A>G

Gene: COPA (coat protein complex I subunit alpha; minus strand). Cytogenetic location: 1q23.2.
Variant type: single nucleotide variant.
Coding change: c.3258+4A>G on transcript NM_004371.4 (MANE Select); 4 bases into the intron after coding-DNA position 3258, A replaced by G.
Molecular consequence: intron variant.
Genome position (GRCh38, 1-based): chr1:160,291,815, T>C on the plus strand (A>G on the coding strand, the complement: COPA is on the minus strand). VCF-style: chr1-160291815-T-C. GRCh37 (hg19) VCF-style: chr1-160261605-T-C.
Other names: c.3285+4A>G (NM_001098398.2).
Identifiers: ClinVar variation 966529 (VCV000966529.8), dbSNP rs1235530043, ClinGen allele CA526678976.